The following is an entry in ClinVar:

NM_024675.4(PALB2):c.1462A>T (p.Ser488Cys)

Gene: PALB2 (partner and localizer of BRCA2; minus strand). Cytogenetic location: 16p12.2.
Variant type: single nucleotide variant.
Coding change: c.1462A>T on transcript NM_024675.4 (MANE Select); coding-DNA position 1462, A replaced by T.
Protein change: p.Ser488Cys; replaces serine 488 with cysteine.
Molecular consequence: missense variant. On other transcripts: intron variant (3).
Genome position (GRCh38, 1-based): chr16:23,635,084, T>A on the plus strand (A>T on the coding strand, the complement: PALB2 is on the minus strand). VCF-style: chr16-23635084-T-A. GRCh37 (hg19) VCF-style: chr16-23646405-T-A.
Other names: c.1402A>T, p.Ser468Cys (NM_001407296.1); c.1462A>T, p.Ser488Cys (NM_001407297.1, NM_001407298.1, NM_001407299.1 and 3 more transcripts); c.577A>T, p.Ser193Cys (NM_001407304.1, NM_001407305.1, NM_001407306.1 and 5 more transcripts); c.49-5809A>T (NM_001407314.1); c.-104-4615A>T (NM_001407313.1, NM_001407312.1); short protein forms S193C, S468C, S488C.
Identifiers: ClinVar variation 2774010 (VCV002774010.2), dbSNP rs753124503, ClinGen allele CA395131188.

ClinVar aggregate classification (germline): Uncertain significance (1 of 4 stars; one submission).

Conditions:
Hereditary cancer-predisposing syndrome. Also called: Hereditary neoplastic syndrome; Hereditary Cancer Syndrome; Neoplastic Syndromes, Hereditary; Tumor predisposition. Identifiers: Orphanet 140162, MedGen C0027672, MeSH D009386, MONDO:0015356.

Submission:

Color Diagnostics, LLC DBA Color Health
Classification: Uncertain significance for Hereditary cancer-predisposing syndrome. Last evaluated: 2023-06-26. Review status: criteria provided, single submitter. Criteria: ACMG Guidelines, 2015. Collection method: clinical testing. Allele origin: germline.
Comment: This missense variant replaces serine with cysteine at codon 488 of the PALB2 protein. Computational prediction suggests that this variant may not impact protein structure and function (internally defined REVEL score threshold <= 0.5, PMID: 27666373). To our knowledge, functional studies have not been reported for this variant. This variant has not been reported in individuals affected with PALB2-related disorders in the literature. This variant has not been identified in the general population by the Genome Aggregation Database (gnomAD). The available evidence is insufficient to determine the role of this variant in disease conclusively. Therefore, this variant is classified as a Variant of Uncertain Significance.